The following is an entry in ClinVar:

NM_003859.3(DPM1):c.202C>G (p.Pro68Ala)

Gene: DPM1 (dolichyl-phosphate mannosyltransferase subunit 1, catalytic; minus strand). Cytogenetic location: 20q13.13.
Variant type: single nucleotide variant.
Coding change: c.202C>G on transcript NM_003859.3 (MANE Select); coding-DNA position 202, C replaced by G.
Protein change: p.Pro68Ala; replaces proline 68 with alanine.
Molecular consequence: missense variant. On other transcripts: non-coding transcript variant (1).
Genome position (GRCh38, 1-based): chr20:50,955,245, G>C on the plus strand (C>G on the coding strand, the complement: DPM1 is on the minus strand). VCF-style: chr20-50955245-G-C. GRCh37 (hg19) VCF-style: chr20-49571782-G-C.
Other names: c.202C>G, p.Pro68Ala (NM_001317034.1, NM_001317035.1, NM_001317036.1); short protein forms P68A.
Identifiers: ClinVar variation 838500 (VCV000838500.7), dbSNP rs1986767219, ClinGen allele CA408978703.

ClinVar aggregate classification (germline): Uncertain significance (1 of 4 stars; one submission).

Conditions:
Congenital disorder of glycosylation type 1E (CDG1E). Also called: CONGENITAL DISORDER OF GLYCOSYLATION, TYPE Ie; CDG Ie. Identifiers: Orphanet 79322, MedGen C1837396, MONDO:0012123, OMIM 608799.

Allele frequency attached by ClinVar (database versions not stated): gnomAD 0.00001.
gnomAD v4.1: 1 of 1,612,806 alleles (0.000062%); highest among the groups gnomAD compares: Admixed American, 0.0017%; no homozygotes.

Submission:

Labcorp Genetics (formerly Invitae), Labcorp
Classification: Uncertain significance for Congenital disorder of glycosylation type 1E. Last evaluated: 2021-08-13. Review status: criteria provided, single submitter. Criteria: Invitae Variant Classification Sherloc (09022015). Collection method: clinical testing. Allele origin: germline.
Comment: This sequence change replaces proline with alanine at codon 68 of the DPM1 protein (p.Pro68Ala). The proline residue is moderately conserved and there is a small physicochemical difference between proline and alanine. This variant is not present in population databases (ExAC no frequency). This variant has not been reported in the literature in individuals affected with DPM1-related conditions. Algorithms developed to predict the effect of missense changes on protein structure and function are either unavailable or do not agree on the potential impact of this missense change (SIFT: "Tolerated"; PolyPhen-2: "Probably Damaging"; Align-GVGD: "Class C0"). In summary, the available evidence is currently insufficient to determine the role of this variant in disease. Therefore, it has been classified as a Variant of Uncertain Significance.